The following is an entry in ClinVar:

ClinVar aggregate classification (germline): Conflicting classifications of pathogenicity. Review status: criteria provided, conflicting classifications (1 of 4 stars). 3 submissions from 3 submitters: Likely pathogenic (1); Uncertain significance (1). 1 of the submissions does not count toward it. Last evaluated 2022-06-24.

Conditions:
RNASEH2C-related disorder. Also called: RNASEH2C-related condition.
Aicardi-Goutieres syndrome 3. Identifiers: Orphanet 51, MedGen C1835916, MONDO:0012471, OMIM 610329.

Allele frequency attached by ClinVar (database versions not stated): ExAC 0.00001.
gnomAD v4.1: 7 of 1,614,258 alleles (0.00043%); highest among the groups gnomAD compares: South Asian, 0.0066%; no homozygotes.

Submissions (3):

Victorian Clinical Genetics Services, Murdoch Childrens Research Institute
Classification: Likely pathogenic for Aicardi-Goutieres syndrome 3. Last evaluated: 2022-06-24. Review status: criteria provided, single submitter. Criteria: ACMG Guidelines, 2015. Collection method: clinical testing. Allele origin: germline. Inheritance: Autosomal recessive inheritance. Affected: yes.
Comment: Based on the classification scheme VCGS_Germline_v1.3.4, this variant is classified as Likely pathogenic. Following criteria are met: 0102 - Loss of function is a known mechanism of disease in this gene and is associated with Aicardi-Goutieres syndrome 3 (MIM#610329). (I) 0106 - This gene is associated with autosomal recessive disease. (I) 0200 - Variant is predicted to result in a missense amino acid change from valine to methionine. (I) 0251 - This variant is heterozygous. (I) 0304 - Variant is present in gnomAD (v2) <0.01 for a recessive condition (3 heterozygotes, 0 homozygotes). (SP) 0309 - Multiple alternative amino acid changes at the same position have been observed in gnomAD (v2 highest allele count: 3 heterozygotes, 0 homozygotes). (I) 0502 - Missense variant with conflicting in silico predictions and uninformative conservation. (I) 0600 - Variant is located in the annotated ribonuclease H2 non-catalytic subunit domian (DECIPHER). (I) 0705 - No comparable missense variants have previous evidence for pathogenicity. (I) 0809 - Previous evidence of pathogenicity for this variant is inconclusive. This variant has previously been classified as a VUS by a clinical laboratory in ClinVar. (I) 0905 - No published segregation evidence has been identified for this variant. (I) 1007 - No published functional evidence has been identified for this variant. (I) 1101 - Very strong and specific phenotype match for this individual. (SP) 1201 - Heterozygous variant detected in trans with a second pathogenic heterozygous variant (c.205C>T;p.Arg69Trp) in a recessive disease. (I) Legend: (SP) - Supporting pathogenic, (I) - Information, (SB) - Supporting benign

Blueprint Genetics
Classification: Uncertain significance. Last evaluated: 2018-06-11. Review status: criteria provided, single submitter. Criteria: ACMG Guidelines, 2015. Collection method: clinical testing. Allele origin: germline.

PreventionGenetics, part of Exact Sciences
Classification: Likely pathogenic for RNASEH2C-related condition. Last evaluated: 2024-04-25. Review status: no assertion criteria provided. Collection method: clinical testing. Allele origin: germline. Not counted in ClinVar's aggregate classification.
Comment: The RNASEH2C c.247G>A variant is predicted to result in the amino acid substitution p.Val83Met. To our knowledge, this variant has not been reported in the literature. This variant is reported in ClinVar by an outside lab as occurring in trans to a second pathogenic RNASEH2C in a patient with Aicardi-Goutieres syndrome. A different missense substitution affecting this amino acid has been reported, homozygous, in a patient with Aicardi-Goutieres syndrome (p.Val83Ala; Boulanger et al. 2021. PubMed ID: 33471103). This variant is reported in 0.0098% of alleles in individuals of South Asian descent in gnomAD. This variant is interpreted as likely pathogenic.

NM_032193.4(RNASEH2C):c.247G>A (p.Val83Met)

Gene: RNASEH2C (ribonuclease H2 subunit C; minus strand). Cytogenetic location: 11q13.1.
Variant type: single nucleotide variant.
Coding change: c.247G>A on transcript NM_032193.4 (MANE Select); coding-DNA position 247, G replaced by A.
Protein change: p.Val83Met; replaces valine 83 with methionine.
Molecular consequence: missense variant.
Genome position (GRCh38, 1-based): chr11:65,720,343, C>T on the plus strand (G>A on the coding strand, the complement: RNASEH2C is on the minus strand). VCF-style: chr11-65720343-C-T. GRCh37 (hg19) VCF-style: chr11-65487814-C-T.
Other names: short protein forms V83M.
Identifiers: ClinVar variation 636680 (VCV000636680.7), dbSNP rs772757667, ClinGen allele CA6107757.